The following is an entry in ClinVar:

NM_000138.5(FBN1):c.8364G>A (p.Thr2788=)

Gene: FBN1 (fibrillin 1; minus strand). Cytogenetic location: 15q21.1.
Variant type: single nucleotide variant.
Coding change: c.8364G>A on transcript NM_000138.5 (MANE Select); coding-DNA position 8364, G replaced by A.
Protein change: p.Thr2788=; no amino-acid change (threonine 2788 retained).
Molecular consequence: synonymous variant.
Genome position (GRCh38, 1-based): chr15:48,411,242, C>T on the plus strand (G>A on the coding strand, the complement: FBN1 is on the minus strand). VCF-style: chr15-48411242-C-T. GRCh37 (hg19) VCF-style: chr15-48703439-C-T.
Identifiers: ClinVar variation 593090 (VCV000593090.19), dbSNP rs112945086, ClinGen allele CA059971.
Genomic context (GRCh38, chr15:48,411,242, plus strand): 5'-TTGGTTGATTTTAAAGAAGCCATCTTCATTTCCAGATTCGATCAAGTATCTGTTGTGATT[C>T]GTCAGAGTTGTAAGAGCTGGAAGGAGTTCTAGGATTCGAACCTTGTTACTGACGTGGGAA-3'
Protein context (NP_000129.3, residues 2778-2798): LELLPALTTL[Thr2788=]NHNRYLIESG

ClinVar aggregate classification (germline): Conflicting classifications of pathogenicity. Review status: criteria provided, conflicting classifications (1 of 4 stars). 6 submissions from 6 submitters: Uncertain significance (1); Likely benign (5). Last evaluated 2025-12-19.

Conditions:
Familial thoracic aortic aneurysm and aortic dissection (TAAD). Also called: Thoracic aortic aneurysms and dissections. Identifiers: Orphanet 91387, MedGen C4707243, MONDO:0019625.
Marfan syndrome (MFS). Also called: FBN1-Related Marfan Syndrome; Marfan syndrome type 1; Marfan's syndrome; Marfan syndrome, classic; MARFAN SYNDROME, TYPE I. Identifiers: Orphanet 284963, Orphanet 558, MedGen C0024796, MONDO:0007947, OMIM 154700.

Allele frequency attached by ClinVar (database versions not stated): 1000 Genomes Project 30x 0.00031; TOPMed below 0.00001; gnomAD 0.00001; ExAC 0.00002; gnomAD exomes 0.00004 and 0.00002.
gnomAD v4.1: 36 of 1,614,052 alleles (0.0022%); highest among the groups gnomAD compares: Admixed American, 0.015%; no homozygotes.

Submissions (6):

Labcorp Genetics (formerly Invitae), Labcorp
Classification: Likely benign for Marfan syndrome; Familial thoracic aortic aneurysm and aortic dissection. Last evaluated: 2025-12-19. Review status: criteria provided, single submitter. Criteria: Invitae Variant Classification Sherloc (09022015). Collection method: clinical testing. Allele origin: germline.

All of Us Research Program, National Institutes of Health
Classification: Likely benign for Marfan syndrome. Last evaluated: 2023-12-13. Review status: criteria provided, single submitter. Criteria: ACMG Guidelines, 2015. Collection method: clinical testing. Allele origin: germline. Inheritance: Autosomal dominant inheritance. Observed: 9 variant alleles, 9 heterozygotes.
Comment: This study involves interpretation of variants in research participants for the purpose of population health screening. Participant phenotype was not available at the time of variant classification. Additional details can be found in publication PMID: 35346344, PMCID: PMC8962531

Blueprint Genetics
Classification: Likely benign. Last evaluated: 2023-08-21. Review status: criteria provided, single submitter. Criteria: ACMG Guidelines, 2015. Collection method: clinical testing. Allele origin: germline.

Ambry Genetics
Classification: Likely benign for Familial thoracic aortic aneurysm and aortic dissection. Last evaluated: 2023-05-22. Review status: criteria provided, single submitter. Criteria: Ambry Variant Classification Scheme 2023. Collection method: clinical testing. Allele origin: germline.

Color Diagnostics, LLC DBA Color Health
Classification: Likely benign for Familial thoracic aortic aneurysm and aortic dissection. Last evaluated: 2018-10-21. Review status: criteria provided, single submitter. Criteria: ACMG Guidelines, 2015. Collection method: clinical testing. Allele origin: germline.

Eurofins Ntd Llc (ga)
Classification: Uncertain significance. Last evaluated: 2017-07-11. Review status: criteria provided, single submitter. Criteria: EGL Classification Definitions 2015. Collection method: clinical testing. Allele origin: germline. Observed: 1 variant allele, 1 heterozygote.